The following is an entry in ClinVar:

ClinVar aggregate classification (germline): Likely benign (0 of 4 stars; one submission).

Conditions:
NCOA1-related disorder. Also called: NCOA1-related condition.

Allele frequency attached by ClinVar (database versions not stated): gnomAD 0.00001; TOPMed 0.00002; gnomAD exomes 0.00004; ExAC 0.00007.
gnomAD v4.1: 26 of 1,614,114 alleles (0.0016%); highest among the groups gnomAD compares: Admixed American, 0.038%; 1 homozygote.

Submission:

PreventionGenetics, part of Exact Sciences
Classification: Likely benign for NCOA1-related condition. Last evaluated: 2022-12-27. Review status: no assertion criteria provided. Collection method: clinical testing. Allele origin: germline.
Comment: This variant is classified as likely benign based on ACMG/AMP sequence variant interpretation guidelines (Richards et al. 2015 PMID: 25741868, with internal and published modifications).

NM_003743.5(NCOA1):c.1884A>G (p.Gln628=)

Gene: NCOA1 (nuclear receptor coactivator 1; plus strand). Cytogenetic location: 2p23.3.
Variant type: single nucleotide variant.
Coding change: c.1884A>G on transcript NM_003743.5 (MANE Select); coding-DNA position 1884, A replaced by G.
Protein change: p.Gln628=; no amino-acid change (glutamine 628 retained).
Molecular consequence: synonymous variant.
Genome position (GRCh38, 1-based): chr2:24,707,354, A>G. VCF-style: chr2-24707354-A-G. GRCh37 (hg19) VCF-style: chr2-24930223-A-G.
Other names: c.1884A>G, p.Gln628= (NM_001362950.1, NM_001362952.1, NM_001362954.1 and 3 more transcripts).
Identifiers: ClinVar variation 3035243 (VCV003035243.2), dbSNP rs754032890, ClinGen allele CA1552324.
Genomic context (GRCh38, chr2:24,707,354, plus strand): 5'-GGATTCAGGGCTTCTGCATAACAATGACAGACTTTCAGATGGAGACAGTAAATACTCTCA[A>G]ACCAGTCACAAACTAGTGCAGCTTTTGACAACAACTGCCGAACAGCAGTTACGGCATGCT-3'
Protein context (NP_003734.3, residues 618-638): RLSDGDSKYS[Gln628=]TSHKLVQLLT